The following is an entry in ClinVar:

NM_000179.3(MSH6):c.3337A>G (p.Ile1113Val)

Gene: MSH6 (mutS homolog 6; plus strand). Cytogenetic location: 2p16.3.
Variant type: single nucleotide variant.
Coding change: c.3337A>G on transcript NM_000179.3 (MANE Select); coding-DNA position 3337, A replaced by G.
Protein change: p.Ile1113Val; replaces isoleucine 1113 with valine.
Molecular consequence: missense variant.
Genome position (GRCh38, 1-based): chr2:47,803,584, A>G. VCF-style: chr2-47803584-A-G. GRCh37 (hg19) VCF-style: chr2-48030723-A-G.
Other names: c.2947A>G, p.Ile983Val (NM_001281492.2); c.2431A>G, p.Ile811Val (NM_001281493.2, NM_001281494.2); short protein forms I1113V, I811V, I983V.
Identifiers: ClinVar variation 229980 (VCV000229980.14), dbSNP rs876658315, ClinGen allele CA10578140.

ClinVar aggregate classification (germline): Uncertain significance. Review status: criteria provided, multiple submitters, no conflicts (2 of 4 stars). 4 submissions from 4 submitters: Uncertain significance (4). Last evaluated 2025-02-02.

Conditions:
Hereditary nonpolyposis colorectal neoplasms. Identifiers: MedGen C0009405, MeSH D003123.
Hereditary cancer-predisposing syndrome. Also called: Hereditary neoplastic syndrome; Hereditary Cancer Syndrome; Neoplastic Syndromes, Hereditary; Tumor predisposition. Identifiers: Orphanet 140162, MedGen C0027672, MeSH D009386, MONDO:0015356.
Lynch syndrome. Identifiers: Orphanet 144, MedGen C4552100, MONDO:0005835. Disease mechanism: loss of function.

Submissions (4):

Labcorp Genetics (formerly Invitae), Labcorp
Classification: Uncertain significance for Hereditary nonpolyposis colorectal neoplasms. Last evaluated: 2025-02-02. Review status: criteria provided, single submitter. Criteria: Invitae Variant Classification Sherloc (09022015). Collection method: clinical testing. Allele origin: germline.
Comment: This sequence change replaces isoleucine, which is neutral and non-polar, with valine, which is neutral and non-polar, at codon 1113 of the MSH6 protein (p.Ile1113Val). This variant is not present in population databases (gnomAD no frequency). This variant has not been reported in the literature in individuals affected with MSH6-related conditions. ClinVar contains an entry for this variant (Variation ID: 229980). Invitae Evidence Modeling of protein sequence and biophysical properties (such as structural, functional, and spatial information, amino acid conservation, physicochemical variation, residue mobility, and thermodynamic stability) indicates that this missense variant is not expected to disrupt MSH6 protein function with a negative predictive value of 95%. In summary, the available evidence is currently insufficient to determine the role of this variant in disease. Therefore, it has been classified as a Variant of Uncertain Significance.

Ambry Genetics
Classification: Uncertain significance for Hereditary cancer-predisposing syndrome. Last evaluated: 2023-11-17. Review status: criteria provided, single submitter. Criteria: Ambry Variant Classification Scheme 2023. Collection method: clinical testing. Allele origin: germline.
Comment: The p.I1113V variant (also known as c.3337A>G), located in coding exon 5 of the MSH6 gene, results from an A to G substitution at nucleotide position 3337. The isoleucine at codon 1113 is replaced by valine, an amino acid with highly similar properties. This amino acid position is well conserved in available vertebrate species. In addition, the in silico prediction for this alteration is inconclusive. Since supporting evidence is limited at this time, the clinical significance of this alteration remains unclear.

All of Us Research Program, National Institutes of Health
Classification: Uncertain significance for Lynch syndrome. Last evaluated: 2023-02-24. Review status: criteria provided, single submitter. Criteria: ACMG Guidelines, 2015. Collection method: clinical testing. Allele origin: germline. Inheritance: Autosomal dominant inheritance. Observed: 2 variant alleles, 2 heterozygotes.
Comment: This missense variant replaces isoleucine with valine at codon 1113 of the MSH6 protein. Computational prediction suggests that this variant may not impact protein structure and function (internally defined REVEL score threshold <= 0.5, PMID: 27666373). To our knowledge, functional studies have not been reported for this variant. This variant has not been reported in individuals affected with MSH6-related disorders in the literature. This variant has not been identified in the general population by the Genome Aggregation Database (gnomAD). The available evidence is insufficient to determine the role of this variant in disease conclusively. Therefore, this variant is classified as a Variant of Uncertain Significance.

This study involves interpretation of variants in research participants for the purpose of population health screening. Participant phenotype was not available at the time of variant classification. Additional details can be found in publication PMID: 35346344, PMCID: PMC8962531

GeneDx
Classification: Uncertain significance. Last evaluated: 2019-04-22. Review status: criteria provided, single submitter. Criteria: GeneDx Variant Classification Process June 2021. Collection method: clinical testing. Allele origin: germline. Affected: yes.
Comment: Not observed in large population cohorts (Lek 2016); In silico analysis, which includes protein predictors and evolutionary conservation, supports that this variant does not alter protein structure/function; Has not been previously published as pathogenic or benign to our knowledge